The following is an entry in ClinVar:

ClinVar aggregate classification (germline): Uncertain significance (1 of 4 stars; one submission).

Conditions:
Hereditary cancer-predisposing syndrome. Also called: Neoplastic Syndromes, Hereditary; Hereditary Cancer Syndrome; Hereditary neoplastic syndrome; Tumor predisposition. Identifiers: Orphanet 140162, MedGen C0027672, MeSH D009386, MONDO:0015356.

gnomAD v4.1: 1 of 1,608,822 alleles (0.000062%); highest among the groups gnomAD compares: Non-Finnish European, 0.000085%; no homozygotes.

Submission:

Ambry Genetics
Classification: Uncertain significance for Hereditary cancer-predisposing syndrome. Last evaluated: 2023-05-14. Review status: criteria provided, single submitter. Criteria: Ambry Variant Classification Scheme 2023. Collection method: clinical testing. Allele origin: germline.
Comment: The p.V573F variant (also known as c.1717G>T), located in coding exon 14 of the POT1 gene, results from a G to T substitution at nucleotide position 1717. The valine at codon 573 is replaced by phenylalanine, an amino acid with highly similar properties. This amino acid position is conserved. In addition, this alteration is predicted to be tolerated by in silico analysis. Since supporting evidence is limited at this time, the clinical significance of this alteration remains unclear.

NM_015450.3(POT1):c.1717G>T (p.Val573Phe)

Gene: POT1 (protection of telomeres 1; minus strand). Cytogenetic location: 7q31.33.
Variant type: single nucleotide variant.
Coding change: c.1717G>T on transcript NM_015450.3 (MANE Select); coding-DNA position 1717, G replaced by T.
Protein change: p.Val573Phe; replaces valine 573 with phenylalanine.
Molecular consequence: missense variant. On other transcripts: non-coding transcript variant (3).
Genome position (GRCh38, 1-based): chr7:124,825,327, C>A on the plus strand (G>T on the coding strand, the complement: POT1 is on the minus strand). VCF-style: chr7-124825327-C-A. GRCh37 (hg19) VCF-style: chr7-124465381-C-A.
Other names: c.1324G>T, p.Val442Phe (NM_001042594.2); short protein forms V573F, V442F.
Identifiers: ClinVar variation 2565260 (VCV002565260.2), dbSNP rs780379750, ClinGen allele CA369062456.